The following is an entry in ClinVar:

NM_001958.5(EEF1A2):c.487A>G (p.Ser163Gly)

Genes: EEF1A2 (eukaryotic translation elongation factor 1 alpha 2; minus strand), LOC132090595 (Neanderthal introgressed variant-containing enhancer experimental_60987; plus strand). Cytogenetic location: 20q13.33.
Variant type: single nucleotide variant.
Coding change: c.487A>G on transcript NM_001958.5 (MANE Select); coding-DNA position 487, A replaced by G.
Protein change: p.Ser163Gly; replaces serine 163 with glycine.
Molecular consequence: missense variant.
Genome position (GRCh38, 1-based): chr20:63,494,939, T>C on the plus strand (A>G on the coding strand, the complement: EEF1A2 is on the minus strand). VCF-style: chr20-63494939-T-C. GRCh37 (hg19) VCF-style: chr20-62126292-T-C.
Other names: short protein forms S163G.
Identifiers: ClinVar variation 848460 (VCV000848460.11), dbSNP rs1000703611, ClinGen allele CA317441723.

ClinVar aggregate classification (germline): Conflicting classifications of pathogenicity. Review status: criteria provided, conflicting classifications (1 of 4 stars). 2 submissions from 2 submitters: Uncertain significance (1); Likely benign (1). Last evaluated 2025-08-04.

Conditions:
Developmental and epileptic encephalopathy, 33 (DEE33). Also called: Epileptic encephalopathy, early infantile, 33. Identifiers: Orphanet 442835, MedGen C4225337, MONDO:0014625, OMIM 616409.

Allele frequency attached by ClinVar (database versions not stated): gnomAD exomes below 0.00001.
gnomAD v4.1: 6 of 1,612,788 alleles (0.00037%); highest among the groups gnomAD compares: Non-Finnish European, 0.00051%; no homozygotes.

Submissions (2):

Labcorp Genetics (formerly Invitae), Labcorp
Classification: Uncertain significance for Developmental and epileptic encephalopathy, 33. Last evaluated: 2025-08-04. Review status: criteria provided, single submitter. Criteria: Invitae Variant Classification Sherloc (09022015). Collection method: clinical testing. Allele origin: germline.
Comment: This sequence change replaces serine, which is neutral and polar, with glycine, which is neutral and non-polar, at codon 163 of the EEF1A2 protein (p.Ser163Gly). This variant is present in population databases (no rsID available, gnomAD 0.0009%). This variant has not been reported in the literature in individuals affected with EEF1A2-related conditions. ClinVar contains an entry for this variant (Variation ID: 848460). Invitae Evidence Modeling of protein sequence and biophysical properties (such as structural, functional, and spatial information, amino acid conservation, physicochemical variation, residue mobility, and thermodynamic stability) indicates that this missense variant is not expected to disrupt EEF1A2 protein function with a negative predictive value of 80%. In summary, the available evidence is currently insufficient to determine the role of this variant in disease. Therefore, it has been classified as a Variant of Uncertain Significance.

Blueprint Genetics
Classification: Likely benign. Last evaluated: 2024-02-28. Review status: criteria provided, single submitter. Criteria: ACMG Guidelines, 2015. Collection method: clinical testing. Allele origin: germline.